The following is an entry in ClinVar:

NM_012463.4(ATP6V0A2):c.2028T>G (p.Asn676Lys)

Gene: ATP6V0A2 (ATPase H+ transporting V0 subunit a2; plus strand). Cytogenetic location: 12q24.31.
Variant type: single nucleotide variant.
Coding change: c.2028T>G on transcript NM_012463.4 (MANE Select); coding-DNA position 2028, T replaced by G.
Protein change: p.Asn676Lys; replaces asparagine 676 with lysine.
Molecular consequence: missense variant.
Genome position (GRCh38, 1-based): chr12:123,751,202, T>G. VCF-style: chr12-123751202-T-G. GRCh37 (hg19) VCF-style: chr12-124235749-T-G.
Other names: short protein forms N676K.
Identifiers: ClinVar variation 1429023 (VCV001429023.8), dbSNP rs763022700, ClinGen allele CA6862093.
Genomic context (GRCh38, chr12:123,751,202, plus strand): 5'-AGCATTGTCTGTCCCTGTCCTCTTCTTGGGAAAGCCACTGTTTTTGTTGTGGCTTCACAA[T>G]GGGCGTAGTTGCTTCGGGGTGAACCGGGTAAGTGCGGGTTTGGATGCATTTACAACTGTG-3'
Protein context (NP_036595.2, residues 666-686): GKPLFLLWLH[Asn676Lys]GRSCFGVNRS

ClinVar aggregate classification (germline): Uncertain significance (1 of 4 stars; one submission).

Conditions:
ALG9 congenital disorder of glycosylation (CDG1L). Also called: CDG Il; CONGENITAL DISORDER OF GLYCOSYLATION, TYPE Il; ALG9-CDG. Identifiers: Orphanet 79328, MedGen C2931006, MONDO:0012117, OMIM 608776.

Allele frequency attached by ClinVar (database versions not stated): gnomAD 0.00001; TOPMed 0.00001; ExAC 0.00002; gnomAD exomes 0.00002; 1000 Genomes Project 30x 0.00031.
gnomAD v4.1: 12 of 1,614,220 alleles (0.00074%); highest among the groups gnomAD compares: South Asian, 0.013%; no homozygotes.

Submission:

Labcorp Genetics (formerly Invitae), Labcorp
Classification: Uncertain significance for ALG9 congenital disorder of glycosylation. Last evaluated: 2021-07-17. Review status: criteria provided, single submitter. Criteria: Invitae Variant Classification Sherloc (09022015). Collection method: clinical testing. Allele origin: germline.
Comment: Algorithms developed to predict the effect of missense changes on protein structure and function (SIFT, PolyPhen-2, Align-GVGD) all suggest that this variant is likely to be tolerated. In summary, the available evidence is currently insufficient to determine the role of this variant in disease. Therefore, it has been classified as a Variant of Uncertain Significance. Algorithms developed to predict the effect of sequence changes on RNA splicing suggest that this variant may create or strengthen a splice site. This variant has not been reported in the literature in individuals affected with ATP6V0A2-related conditions. This variant is present in population databases (rs763022700, ExAC 0.01%). This sequence change replaces asparagine with lysine at codon 676 of the ATP6V0A2 protein (p.Asn676Lys). The asparagine residue is weakly conserved and there is a moderate physicochemical difference between asparagine and lysine.